The following is an entry in ClinVar:

NM_005101.4(ISG15):c.407C>T (p.Pro136Leu)

Gene: ISG15 (ISG15 ubiquitin like modifier; plus strand). Cytogenetic location: 1p36.33.
Variant type: single nucleotide variant.
Coding change: c.407C>T on transcript NM_005101.4 (MANE Select); coding-DNA position 407, C replaced by T.
Protein change: p.Pro136Leu; replaces proline 136 with leucine.
Molecular consequence: missense variant.
Genome position (GRCh38, 1-based): chr1:1,014,387, C>T. VCF-style: chr1-1014387-C-T. GRCh37 (hg19) VCF-style: chr1-949767-C-T.
Other names: short protein forms P136L.
Identifiers: ClinVar variation 3713193 (VCV003713193.2).

ClinVar aggregate classification (germline): Uncertain significance (1 of 4 stars; one submission).

Conditions:
Mendelian susceptibility to mycobacterial diseases due to complete ISG15 deficiency. Also called: IMMUNODEFICIENCY 38, MYCOBACTERIOSIS, AUTOSOMAL RECESSIVE; ISG15 DEFICIENCY, AUTOSOMAL RECESSIVE; Immunodeficiency 38 with basal ganglia calcification; Immunodeficiency 38. Identifiers: Orphanet 319563, MedGen C4015293, MONDO:0014502, OMIM 616126.

gnomAD v4.1: 9 of 1,613,180 alleles (0.00056%); highest among the groups gnomAD compares: East Asian, 0.0045%; no homozygotes.

Submission:

Labcorp Genetics (formerly Invitae), Labcorp
Classification: Uncertain significance for Mendelian susceptibility to mycobacterial diseases due to complete ISG15 deficiency. Last evaluated: 2025-06-12. Review status: criteria provided, single submitter. Criteria: Invitae Variant Classification Sherloc (09022015). Collection method: clinical testing. Allele origin: germline.
Comment: This sequence change replaces proline, which is neutral and non-polar, with leucine, which is neutral and non-polar, at codon 136 of the ISG15 protein (p.Pro136Leu). This variant is present in population databases (rs750013833, gnomAD 0.01%). This variant has not been reported in the literature in individuals affected with ISG15-related conditions. ClinVar contains an entry for this variant (Variation ID: 3713193). An algorithm developed to predict the effect of missense changes on protein structure and function outputs the following: PolyPhen-2: "Benign". The leucine amino acid residue is found in multiple mammalian species, which suggests that this missense change does not adversely affect protein function. In summary, the available evidence is currently insufficient to determine the role of this variant in disease. Therefore, it has been classified as a Variant of Uncertain Significance.